The following is an entry in ClinVar:

NM_000883.4(IMPDH1):c.288C>G (p.Gly96=)

Gene: IMPDH1 (inosine monophosphate dehydrogenase 1; minus strand). Cytogenetic location: 7q32.1.
Variant type: single nucleotide variant.
Coding change: c.288C>G on transcript NM_000883.4 (MANE Select); coding-DNA position 288, C replaced by G.
Protein change: p.Gly96=; no amino-acid change (glycine 96 retained).
Molecular consequence: synonymous variant. On other transcripts: intron variant (2).
Genome position (GRCh38, 1-based): chr7:128,405,832, G>C on the plus strand (C>G on the coding strand, the complement: IMPDH1 is on the minus strand). VCF-style: chr7-128405832-G-C. GRCh37 (hg19) VCF-style: chr7-128045886-G-C.
Other names: c.258C>G, p.Gly86= (NM_001102605.2); c.33C>G, p.Gly11= (NM_001142573.2, NM_001142574.2, NM_001142575.2); c.180C>G, p.Gly60= (NM_183243.3); c.147-2078C>G (NM_001304521.2); c.255-2078C>G (NM_001142576.2).
Identifiers: ClinVar variation 3382485 (VCV003382485.2).

ClinVar aggregate classification (germline): Uncertain significance (1 of 4 stars; one submission).

Conditions:
Leber congenital amaurosis 11 (LCA11). Identifiers: Orphanet 65, MedGen C1840284, MONDO:0013454, OMIM 613837.
Retinitis pigmentosa 10 (RP10). Identifiers: Orphanet 791, MedGen C1867299, MONDO:0008379, OMIM 180105.

gnomAD v4.1: 3 of 1,539,276 alleles (0.00019%); highest among the groups gnomAD compares: Non-Finnish European, 0.00026%; no homozygotes.

Submission:

Juno Genomics, Hangzhou Juno Genomics, Inc
Classification: Uncertain significance for Leber congenital amaurosis 11; Retinitis pigmentosa 10. Review status: criteria provided, single submitter. Criteria: ACMG Guidelines, 2015. Collection method: clinical testing. Allele origin: germline. Affected: yes.
Comment: Absent from controls (or at extremely low frequency if recessive) in Genome Aggregation Database, Exome Sequencing Project, 1000 Genomes Project, or Exome Aggregation Consortium.;Multiple lines of computational evidence support a deleterious effect on the gene or gene product (conservation, evolutionary, splicing impact, etc).;Patient's phenotype or family history is highly specific for a disease with a single genetic etiology.